The following is an entry in ClinVar:

NM_015386.3(COG4):c.1809del (p.Lys603fs)

Gene: COG4 (component of oligomeric golgi complex 4; minus strand). Cytogenetic location: 16q22.1.
Variant type: Deletion.
Coding change: c.1809del on transcript NM_015386.3 (MANE Select); coding-DNA position 1809, one base deleted (A; older notation c.1809delA).
Protein change: p.Lys603fs; shifts the reading frame from lysine 603.
Molecular consequence: frameshift variant. On other transcripts: non-coding transcript variant (1).
Genome position (GRCh38, 1-based): chr16:70,483,871, T deleted on the plus strand (A on the coding strand, the reverse complement: COG4 is on the minus strand); the first of 3 consecutive T bases (chr16:70,483,871-70,483,873); deleting any one gives the same sequence. VCF-style (leftmost placement, unchanged base first): chr16-70483870-AT-A. GRCh37 (hg19) VCF-style: chr16-70517773-AT-A.
Other names: c.1734del, p.Lys578fs (NM_001195139.2); c.1383del, p.Lys461fs (NM_001365426.1); short protein forms K461fs, K578fs, K603fs.
Identifiers: ClinVar variation 419327 (VCV000419327.2), dbSNP rs1064793795, ClinGen allele CA16620266.

ClinVar aggregate classification (germline): Likely pathogenic (1 of 4 stars; one submission).

Submission:

GeneDx
Classification: Likely pathogenic. Last evaluated: 2017-01-10. Review status: criteria provided, single submitter. Criteria: GeneDx Variant Classification (06012015). Collection method: clinical testing. Allele origin: germline. Affected: yes.
Comment: The c.1809delA variant in the COG4 gene has not been reported previously as a pathogenic variant nor as a benign variant, to our knowledge. The c.1809delA variant causes a frameshift starting with codon Lysine 603, changes this amino acid to a Asparagine residue, and creates a premature Stop codon at position 10 of the new reading frame, denoted p.Lys603AsnfsX10. This variant is predicted to cause loss of normal protein function either through protein truncation or nonsense-mediated mRNA decay. The c.1809delA variant was not observed in approximately 6500 individuals of European and African American ancestry in the NHLBI Exome Sequencing Project, indicating it is not a common benign variant in these populations. We interpret c.1809delA as a likely pathogenic variant; however, the possibility it may be a rare benign variant cannot be excluded.